The following is an entry in ClinVar:

NM_024642.5(GALNT12):c.58G>A (p.Ala20Thr)

Genes: GALNT12 (polypeptide N-acetylgalactosaminyltransferase 12; plus strand), LOC130002222 (ATAC-STARR-seq lymphoblastoid silent region 20123; plus strand). Cytogenetic location: 9q22.33.
Variant type: single nucleotide variant.
Coding change: c.58G>A on transcript NM_024642.5 (MANE Select); coding-DNA position 58, G replaced by A.
Protein change: p.Ala20Thr; replaces alanine 20 with threonine.
Molecular consequence: missense variant.
Genome position (GRCh38, 1-based): chr9:98,807,756, G>A. VCF-style: chr9-98807756-G-A. GRCh37 (hg19) VCF-style: chr9-101570038-G-A.
Other names: short protein forms A20T.
Identifiers: ClinVar variation 4261476 (VCV004261476.1).

ClinVar aggregate classification (germline): Uncertain significance (1 of 4 stars; one submission).

Submission:

Ambry Genetics
Classification: Uncertain significance. Last evaluated: 2025-08-03. Review status: criteria provided, single submitter. Criteria: Ambry Variant Classification Scheme 2023. Collection method: clinical testing. Allele origin: germline.
Comment: The p.A20T variant (also known as c.58G>A), located in coding exon 1 of the GALNT12 gene, results from a G to A substitution at nucleotide position 58. The alanine at codon 20 is replaced by threonine, an amino acid with similar properties. This amino acid position is conserved. In addition, this alteration is predicted to be tolerated by in silico analysis. Based on the available evidence, the clinical significance of this variant remains unclear.